The following is an entry in ClinVar:

NM_201384.3(PLEC):c.4352A>G (p.Glu1451Gly)

Gene: PLEC (plectin; minus strand). Cytogenetic location: 8q24.3.
Variant type: single nucleotide variant.
Coding change: c.4352A>G on transcript NM_201384.3 (MANE Select); coding-DNA position 4352, A replaced by G.
Protein change: p.Glu1451Gly; replaces glutamic acid 1451 with glycine.
Molecular consequence: missense variant.
Genome position (GRCh38, 1-based): chr8:143,925,577, T>C on the plus strand (A>G on the coding strand, the complement: PLEC is on the minus strand). VCF-style: chr8-143925577-T-C. GRCh37 (hg19) VCF-style: chr8-144999745-T-C.
Other names: c.4433A>G, p.Glu1478Gly (NM_000445.5); c.4310A>G, p.Glu1437Gly (NM_201378.4); c.4286A>G, p.Glu1429Gly (NM_201379.3); c.4763A>G, p.Glu1588Gly (NM_201380.4); c.4256A>G, p.Glu1419Gly (NM_201381.3); c.4352A>G, p.Glu1451Gly (NM_201382.4); c.4364A>G, p.Glu1455Gly (NM_201383.3); c.4433A>G (NM_000445.3); short protein forms E1437G, E1478G, E1588G, E1419G, E1429G, E1451G, E1455G.
Identifiers: ClinVar variation 839311 (VCV000839311.10), dbSNP rs782276999, ClinGen allele CA4926690.
Genomic context (GRCh38, chr8:143,925,577, plus strand): 5'-GCCCCGCCACGCTGGCGCTCGGTGGCCTCCAACTGCAGGCGCACCACGCGGATCTCCTCC[T>C]CGATGCGCAGCCGGCTGCGCTCAGCCGCCTCTGCCTGCCGGGCCTTGGCCTGGATCTCCG-3'
Protein context (NP_958786.1, residues 1441-1461): EAAERSRLRI[Glu1451Gly]EEIRVVRLQL

ClinVar aggregate classification (germline): Uncertain significance. Review status: criteria provided, multiple submitters, no conflicts (2 of 4 stars). 3 submissions from 3 submitters: Uncertain significance (3). Last evaluated 2026-01-11.

Conditions:
Epidermolysis bullosa simplex 5C, with pyloric atresia (EBS5C). Also called: PLEC1-Related Epidermolysis Bullosa with Pyloric Atresia; Epidermolysis bullosa simplex with pyloric atresia; PLEC-Related Epidermolysis Bullosa with Pyloric Atresia. Identifiers: Orphanet 158684, MedGen C2677349, MONDO:0012807, OMIM 612138.
Epidermolysis bullosa simplex with nail dystrophy (EBS5D). Identifiers: MedGen C4225309, MONDO:0014661, OMIM 616487.
Epidermolysis bullosa simplex 5B, with muscular dystrophy (EBS5B). Also called: EPIDERMOLYSIS BULLOSA SIMPLEX AND LIMB-GIRDLE MUSCULAR DYSTROPHY; Epidermolysis bullosa simplex with muscular dystrophy. Identifiers: Orphanet 257, MedGen C2931072, MONDO:0009181, OMIM 226670.
Epidermolysis bullosa simplex, Ogna type (EBS5A). Also called: Pidermolysis bullosa simplex 5A, Ogna type; EPIDERMOLYSIS BULLOSA SIMPLEX 5A, OGNA TYPE. Identifiers: Orphanet 79401, MedGen C0432317, MONDO:0007555, OMIM 131950.
Autosomal recessive limb-girdle muscular dystrophy type 2Q (LGMDR17). Also called: MUSCULAR DYSTROPHY, LIMB-GIRDLE, AUTOSOMAL RECESSIVE 17. Identifiers: Orphanet 254361, MedGen C3150989, MONDO:0013390, OMIM 613723.
Inborn genetic diseases. Identifiers: MedGen C0950123, MeSH D030342.

Allele frequency attached by ClinVar (database versions not stated): ExAC 0.00002; gnomAD exomes 0.00002 and 0.00005; TOPMed 0.00003; gnomAD 0.00005.
gnomAD v4.1: 77 of 1,581,052 alleles (0.0049%); highest among the groups gnomAD compares: Non-Finnish European, 0.0063%; no homozygotes.

Submissions (3):

Labcorp Genetics (formerly Invitae), Labcorp
Classification: Uncertain significance for Autosomal recessive limb-girdle muscular dystrophy type 2Q; Epidermolysis bullosa simplex, Ogna type; Epidermolysis bullosa simplex with nail dystrophy; Epidermolysis bullosa simplex 5C, with pyloric atresia; Epidermolysis bullosa simplex 5B, with muscular dystrophy. Last evaluated: 2026-01-11. Review status: criteria provided, single submitter. Criteria: Invitae Variant Classification Sherloc (09022015). Collection method: clinical testing. Allele origin: germline.
Comment: This sequence change replaces glutamic acid, which is acidic and polar, with glycine, which is neutral and non-polar, at codon 1478 of the PLEC protein (p.Glu1478Gly). This variant is present in population databases (rs782276999, gnomAD 0.006%). This variant has not been reported in the literature in individuals affected with PLEC-related conditions. ClinVar contains an entry for this variant (Variation ID: 839311). Experimental studies and prediction algorithms are not available or were not evaluated, and the functional significance of this variant is currently unknown. In summary, the available evidence is currently insufficient to determine the role of this variant in disease. Therefore, it has been classified as a Variant of Uncertain Significance.

Ambry Genetics
Classification: Uncertain significance for Inborn genetic diseases. Last evaluated: 2025-07-15. Review status: criteria provided, single submitter. Criteria: Ambry Variant Classification Scheme 2023. Collection method: clinical testing. Allele origin: germline.

Revvity Omics, Revvity
Classification: Uncertain significance. Last evaluated: 2025-01-22. Review status: criteria provided, single submitter. Criteria: ACMG Guidelines, 2015. Collection method: clinical testing. Allele origin: germline.